The following is an entry in ClinVar:

ClinVar aggregate classification (germline): Benign. Review status: criteria provided, multiple submitters, no conflicts (2 of 4 stars). 2 submissions from 2 submitters: Benign (2). Last evaluated 2018-06-14.

Allele frequency attached by ClinVar (database versions not stated): 1000 Genomes Project 30x 0.08385; 1000 Genomes Project 0.08646; TOPMed 0.09799; gnomAD 0.10117 and 0.10341; gnomAD exomes 0.12523.
gnomAD v4.1: 149,095 of 1,218,650 alleles (12%); highest among the groups gnomAD compares: South Asian, 16%; 10,119 homozygotes.

Submissions (2):

GeneDx
Classification: Benign. Last evaluated: 2018-06-14. Review status: criteria provided, single submitter. Criteria: GeneDx Variant Classification (06012015). Collection method: clinical testing. Allele origin: germline. Affected: yes.
Comment: This variant is considered likely benign or benign based on one or more of the following criteria: it is a conservative change, it occurs at a poorly conserved position in the protein, it is predicted to be benign by multiple in silico algorithms, and/or has population frequency not consistent with disease.

Breakthrough Genomics
Classification: Benign. Review status: criteria provided, single submitter. Criteria: ACMG Guidelines, 2015. Collection method: not provided. Allele origin: germline. Inheritance: Autosomal recessive inheritance. Affected: yes.

NM_014049.5(ACAD9):c.1278+150C>T

Gene: ACAD9 (acyl-CoA dehydrogenase family member 9; plus strand). Cytogenetic location: 3q21.3.
Variant type: single nucleotide variant.
Coding change: c.1278+150C>T on transcript NM_014049.5 (MANE Select); 150 bases into the intron after coding-DNA position 1278, C replaced by T.
Molecular consequence: intron variant.
Genome position (GRCh38, 1-based): chr3:128,906,399, C>T. VCF-style: chr3-128906399-C-T. GRCh37 (hg19) VCF-style: chr3-128625242-C-T.
Identifiers: ClinVar variation 680075 (VCV000680075.2), dbSNP rs35020699, ClinGen allele CA11557728.